The following is an entry in ClinVar:

NM_001854.4(COL11A1):c.4555-3C>T

Gene: COL11A1 (collagen type XI alpha 1 chain; minus strand). Cytogenetic location: 1p21.1.
Variant type: single nucleotide variant.
Coding change: c.4555-3C>T on transcript NM_001854.4 (MANE Select); 3 bases into the intron before coding-DNA position 4555, C replaced by T.
Molecular consequence: intron variant.
Genome position (GRCh38, 1-based): chr1:102,888,633, G>A on the plus strand (C>T on the coding strand, the complement: COL11A1 is on the minus strand). VCF-style: chr1-102888633-G-A. GRCh37 (hg19) VCF-style: chr1-103354189-G-A.
Other names: c.4438-3C>T (NM_001190709.2); c.4591-3C>T (NM_080629.3); c.4207-3C>T (NM_080630.4).
Identifiers: ClinVar variation 3654401 (VCV003654401.2).

ClinVar aggregate classification (germline): Uncertain significance (1 of 4 stars; one submission).

gnomAD v4.1: 8 of 1,613,816 alleles (0.0005%); highest among the groups gnomAD compares: South Asian, 0.0088%; 1 homozygote.

Submission:

Labcorp Genetics (formerly Invitae), Labcorp
Classification: Uncertain significance. Last evaluated: 2024-08-21. Review status: criteria provided, single submitter. Criteria: Invitae Variant Classification Sherloc (09022015). Collection method: clinical testing. Allele origin: germline.
Comment: This sequence change falls in intron 61 of the COL11A1 gene. It does not directly change the encoded amino acid sequence of the COL11A1 protein. It affects a nucleotide within the consensus splice site. This variant is not present in population databases (gnomAD no frequency). This variant has not been reported in the literature in individuals affected with COL11A1-related conditions. Variants that disrupt the consensus splice site are a relatively common cause of aberrant splicing (PMID: 17576681, 9536098). Algorithms developed to predict the effect of sequence changes on RNA splicing suggest that this variant is not likely to affect RNA splicing. In summary, the available evidence is currently insufficient to determine the role of this variant in disease. Therefore, it has been classified as a Variant of Uncertain Significance.

Literature cited by the submitters: PubMed 17576681; PubMed 9536098.